The following is an entry in ClinVar:

ClinVar aggregate classification (germline): Uncertain significance. Review status: criteria provided, multiple submitters, no conflicts (2 of 4 stars). 2 submissions from 2 submitters: Uncertain significance (2). Last evaluated 2024-10-21.

Conditions:
Inborn genetic diseases. Identifiers: MedGen C0950123, MeSH D030342.

Allele frequency attached by ClinVar (database versions not stated): gnomAD 0.00001; TOPMed 0.00002.
gnomAD v4.1: 4 of 1,606,006 alleles (0.00025%); highest among the groups gnomAD compares: African/African-American, 0.0013%; no homozygotes.

Submissions (2):

Ambry Genetics
Classification: Uncertain significance for Inborn genetic diseases. Last evaluated: 2024-10-21. Review status: criteria provided, single submitter. Criteria: Ambry Variant Classification Scheme 2023. Collection method: clinical testing. Allele origin: germline.

Labcorp Genetics (formerly Invitae), Labcorp
Classification: Uncertain significance. Last evaluated: 2022-09-21. Review status: criteria provided, single submitter. Criteria: Invitae Variant Classification Sherloc (09022015). Collection method: clinical testing. Allele origin: germline.
Comment: This sequence change replaces leucine, which is neutral and non-polar, with valine, which is neutral and non-polar, at codon 729 of the DNA2 protein (p.Leu729Val). This variant is not present in population databases (gnomAD no frequency). This variant has not been reported in the literature in individuals affected with DNA2-related conditions. Advanced modeling of protein sequence and biophysical properties (such as structural, functional, and spatial information, amino acid conservation, physicochemical variation, residue mobility, and thermodynamic stability) performed at Invitae indicates that this missense variant is not expected to disrupt DNA2 protein function. In summary, the available evidence is currently insufficient to determine the role of this variant in disease. Therefore, it has been classified as a Variant of Uncertain Significance.

NM_001080449.3(DNA2):c.2185C>G (p.Leu729Val)

Gene: DNA2 (DNA replication helicase/nuclease 2; minus strand). Cytogenetic location: 10q21.3.
Variant type: single nucleotide variant.
Coding change: c.2185C>G on transcript NM_001080449.3 (MANE Select); coding-DNA position 2185, C replaced by G.
Protein change: p.Leu729Val; replaces leucine 729 with valine.
Molecular consequence: missense variant. On other transcripts: non-coding transcript variant (1).
Genome position (GRCh38, 1-based): chr10:68,430,459, G>C on the plus strand (C>G on the coding strand, the complement: DNA2 is on the minus strand). VCF-style: chr10-68430459-G-C. GRCh37 (hg19) VCF-style: chr10-70190216-G-C.
Other names: c.2185C>G (NM_001080449.2); short protein forms L729V.
Identifiers: ClinVar variation 1952091 (VCV001952091.6), dbSNP rs2051805017, ClinGen allele CA376853568.